The following is an entry in ClinVar:

NM_005051.3(QARS1):c.21G>A (p.Leu7=)

Genes: QARS1 (glutaminyl-tRNA synthetase 1; minus strand), LOC129936736 (ATAC-STARR-seq lymphoblastoid active region 19853; plus strand). Cytogenetic location: 3p21.31.
Variant type: single nucleotide variant.
Coding change: c.21G>A on transcript NM_005051.3 (MANE Select); coding-DNA position 21, G replaced by A.
Protein change: p.Leu7=; no amino-acid change (leucine 7 retained).
Molecular consequence: synonymous variant. On other transcripts: non-coding transcript variant (1).
Genome position (GRCh38, 1-based): chr3:49,104,713, C>T on the plus strand (G>A on the coding strand, the complement: QARS1 is on the minus strand). VCF-style: chr3-49104713-C-T. GRCh37 (hg19) VCF-style: chr3-49142146-C-T.
Other names: c.21G>A, p.Leu7= (NM_001272073.2).
Identifiers: ClinVar variation 1090555 (VCV001090555.31), dbSNP rs2107115428, ClinGen allele CA433631364.

ClinVar aggregate classification (germline): Likely benign. Review status: criteria provided, multiple submitters, no conflicts (2 of 4 stars). 2 submissions from 2 submitters: Likely benign (2). Last evaluated 2022-09-01.

Conditions:
Diffuse cerebral and cerebellar atrophy - intractable seizures - progressive microcephaly syndrome. Also called: Microcephaly, progressive, with seizures and cerebral and cerebellar atrophy. Identifiers: Orphanet 404437, MedGen C4014239, MONDO:0014335, OMIM 615760.

Allele frequency attached by ClinVar (database versions not stated): gnomAD exomes below 0.00001.
gnomAD v4.1: 2 of 1,612,814 alleles (0.00012%); highest among the groups gnomAD compares: Non-Finnish European, 0.00017%; no homozygotes.

Submissions (2):

CeGaT Center for Human Genetics Tuebingen
Classification: Likely benign. Last evaluated: 2022-09-01. Review status: criteria provided, single submitter. Criteria: CeGaT Center For Human Genetics Tuebingen Variant Classification Criteria Version 2. Collection method: clinical testing. Allele origin: germline. Affected: yes. Observed: 1 variant allele.
Comment: QARS1: PM2:Supporting, BP4, BP7

Labcorp Genetics (formerly Invitae), Labcorp
Classification: Likely benign for Diffuse cerebral and cerebellar atrophy - intractable seizures - progressive microcephaly syndrome. Last evaluated: 2020-01-03. Review status: criteria provided, single submitter. Criteria: Invitae Variant Classification Sherloc (09022015). Collection method: clinical testing. Allele origin: germline.